The following is an entry in ClinVar:

ClinVar aggregate classification (germline): Pathogenic. Review status: criteria provided, multiple submitters, no conflicts (2 of 4 stars). 2 submissions from 2 submitters: Pathogenic (2). Last evaluated 2024-11-26.

Conditions:
Familial thoracic aortic aneurysm and aortic dissection (TAAD). Also called: Thoracic aortic aneurysms and dissections. Identifiers: Orphanet 91387, MedGen C4707243, MONDO:0019625.
Marfan syndrome (MFS). Also called: Marfan syndrome type 1; Marfan syndrome, classic; Marfan's syndrome; FBN1-Related Marfan Syndrome; MARFAN SYNDROME, TYPE I. Identifiers: Orphanet 284963, Orphanet 558, MedGen C0024796, MONDO:0007947, OMIM 154700.

Submissions (2):

3billion
Classification: Pathogenic for Marfan syndrome. Last evaluated: 2024-11-26. Review status: criteria provided, single submitter. Criteria: ACMG Guidelines, 2015. Collection method: clinical testing. Allele origin: germline. Affected: yes.
Comment: The variant is not observed in the gnomAD v4.1.0 dataset. Predicted Consequence/Location: Stop-gained (nonsense): predicted to result in a loss or disruption of normal protein function through nonsense-mediated decay (NMD) or protein truncation. Multiple pathogenic variants are reported downstream of the variant. The variant has been reported to be associated with FBN1 related disorder (ClinVar ID: VCV000519741 /PMID: 25652356). Therefore, this variant is classified as Pathogenic according to the recommendation of ACMG/AMP guideline.

Ambry Genetics
Classification: Pathogenic for Familial thoracic aortic aneurysm and aortic dissection. Last evaluated: 2024-11-14. Review status: criteria provided, single submitter. Criteria: Ambry Variant Classification Scheme 2023. Collection method: clinical testing. Allele origin: germline.
Comment: The p.W217* pathogenic mutation (also known as c.650G>A), located in coding exon 6 of the FBN1 gene, results from a G to A substitution at nucleotide position 650. This changes the amino acid from a tryptophan to a stop codon within coding exon 6. This alteration, as well as a different nucleotide change (c.651G>A) resulting in the same amino acid alteration, have been reported in individuals with features consistent with Marfan syndrome (Baudhuin LM et al. J Hum Genet. 2015;60:241-52; Magyar I et al. Hum Mutat. 2009;30:1355-64; Ambry internal data). This variant is considered to be rare based on population cohorts in the Genome Aggregation Database (gnomAD). In addition to the clinical data presented in the literature, this alteration is expected to result in loss of function by premature protein truncation or nonsense-mediated mRNA decay. As such, this alteration is interpreted as a disease-causing mutation.

Literature cited by the submitters: PubMed 25652356 (cited by 3billion and Ambry Genetics); PubMed 19618372 (cited by Ambry Genetics).

NM_000138.5(FBN1):c.650G>A (p.Trp217Ter)

Gene: FBN1 (fibrillin 1; minus strand). Cytogenetic location: 15q21.1.
Variant type: single nucleotide variant.
Coding change: c.650G>A on transcript NM_000138.5 (MANE Select); coding-DNA position 650, G replaced by A.
Protein change: p.Trp217Ter; replaces tryptophan 217 with a stop codon.
Molecular consequence: nonsense.
Genome position (GRCh38, 1-based): chr15:48,537,697, C>T on the plus strand (G>A on the coding strand, the complement: FBN1 is on the minus strand). VCF-style: chr15-48537697-C-T. GRCh37 (hg19) VCF-style: chr15-48829894-C-T.
Other names: short protein forms W217*.
Identifiers: ClinVar variation 519741 (VCV000519741.7), dbSNP rs1555401686, ClinGen allele CA392445965.